The following is an entry in ClinVar:

NM_004281.4(BAG3):c.1168G>A (p.Val390Met)

Gene: BAG3 (BAG cochaperone 3; plus strand). Cytogenetic location: 10q26.11.
Variant type: single nucleotide variant.
Coding change: c.1168G>A on transcript NM_004281.4 (MANE Select); coding-DNA position 1168, G replaced by A.
Protein change: p.Val390Met; replaces valine 390 with methionine.
Molecular consequence: missense variant.
Genome position (GRCh38, 1-based): chr10:119,676,722, G>A. VCF-style: chr10-119676722-G-A. GRCh37 (hg19) VCF-style: chr10-121436234-G-A.
Other names: short protein forms V390M.
Identifiers: ClinVar variation 1413483 (VCV001413483.7), dbSNP rs1847242044, ClinGen allele CA378296758.

ClinVar aggregate classification (germline): Uncertain significance. Review status: criteria provided, multiple submitters, no conflicts (2 of 4 stars). 2 submissions from 2 submitters: Uncertain significance (2). Last evaluated 2021-08-26.

Conditions:
Dilated cardiomyopathy 1HH (CMD1HH). Identifiers: Orphanet 154, MedGen C3151293, MONDO:0013479, OMIM 613881.
Myofibrillar myopathy 6. Identifiers: Orphanet 199340, MedGen C2751831, MONDO:0013061, OMIM 612954.

Allele frequency attached by ClinVar (database versions not stated): TOPMed below 0.00001; gnomAD 0.00001.
gnomAD v4.1: 1 of 1,614,022 alleles (0.000062%); highest among the groups gnomAD compares: Admixed American, 0.0017%; no homozygotes.

Submissions (2):

Labcorp Genetics (formerly Invitae), Labcorp
Classification: Uncertain significance for Dilated cardiomyopathy 1HH; Myofibrillar myopathy 6. Last evaluated: 2021-08-26. Review status: criteria provided, single submitter. Criteria: Invitae Variant Classification Sherloc (09022015). Collection method: clinical testing. Allele origin: germline.
Comment: In summary, the available evidence is currently insufficient to determine the role of this variant in disease. Therefore, it has been classified as a Variant of Uncertain Significance. Algorithms developed to predict the effect of missense changes on protein structure and function output the following: SIFT: "Tolerated"; PolyPhen-2: "Not Available"; Align-GVGD: "Class C0". The methionine amino acid residue is found in multiple mammalian species, which suggests that this missense change does not adversely affect protein function. This sequence change replaces valine with methionine at codon 390 of the BAG3 protein (p.Val390Met). The valine residue is moderately conserved and there is a small physicochemical difference between valine and methionine. This variant is not present in population databases (ExAC no frequency). This variant has not been reported in the literature in individuals affected with BAG3-related conditions.

Blueprint Genetics
Classification: Uncertain significance. Last evaluated: 2019-03-26. Review status: criteria provided, single submitter. Criteria: ACMG Guidelines, 2015. Collection method: clinical testing. Allele origin: germline.